The following is an entry in ClinVar:

NM_006514.4(SCN10A):c.4551C>T (p.Ala1517=)

Gene: SCN10A (sodium voltage-gated channel alpha subunit 10; minus strand). Cytogenetic location: 3p22.2.
Variant type: single nucleotide variant.
Coding change: c.4551C>T on transcript NM_006514.4 (MANE Select); coding-DNA position 4551, C replaced by T.
Protein change: p.Ala1517=; no amino-acid change (alanine 1517 retained).
Molecular consequence: synonymous variant.
Genome position (GRCh38, 1-based): chr3:38,701,945, G>A on the plus strand (C>T on the coding strand, the complement: SCN10A is on the minus strand). VCF-style: chr3-38701945-G-A. GRCh37 (hg19) VCF-style: chr3-38743436-G-A.
Other names: c.4548C>T, p.Ala1516= (NM_001293306.2); c.4257C>T, p.Ala1419= (NM_001293307.2).
Identifiers: ClinVar variation 4864088 (VCV004864088.1).

ClinVar aggregate classification (germline): Uncertain significance (1 of 4 stars; one submission).

Conditions:
Cardiovascular phenotype. Identifiers: MedGen CN230736.

gnomAD v4.1: 16 of 1,613,938 alleles (0.00099%); highest among the groups gnomAD compares: Middle Eastern, 0.016%; no homozygotes.

Submission:

Ambry Genetics
Classification: Uncertain significance for Cardiovascular phenotype. Last evaluated: 2026-04-28. Review status: criteria provided, single submitter. Criteria: Ambry Variant Classification Scheme 2023. Collection method: clinical testing. Allele origin: germline.
Comment: The c.4551C>T variant (also known as p.A1517A), located in coding exon 26 of the SCN10A gene, results from a C to T substitution at nucleotide position 4551. This nucleotide substitution does not change the amino acid at codon 1517. This nucleotide position is poorly conserved in available vertebrate species. In silico splice site analysis predicts that this alteration may result in the creation or strengthening of a novel splice acceptor site. The evidence for this gene-disease relationship is limited; therefore, the clinical significance of this variant is unclear.